The following is an entry in ClinVar:

ClinVar aggregate classification (germline): Conflicting classifications of pathogenicity. Review status: criteria provided, conflicting classifications (1 of 4 stars). 3 submissions from 3 submitters: Uncertain significance (2); Likely benign (1). Last evaluated 2025-10-23.

Conditions:
Long QT syndrome (LQTS). Identifiers: MedGen C0023976, MeSH D008133, MONDO:0002442. Disease mechanism: loss of function. Inheritance: Various modes of inheritance.
Cardiovascular phenotype. Identifiers: MedGen CN230736.

Allele frequency attached by ClinVar (database versions not stated): gnomAD 0.00001; ExAC 0.00002; TOPMed 0.00002; gnomAD exomes 0.00003.
gnomAD v4.1: 50 of 1,613,986 alleles (0.0031%); highest among the groups gnomAD compares: South Asian, 0.016%; no homozygotes.

Submissions (3):

Ambry Genetics
Classification: Uncertain significance for Cardiovascular phenotype. Last evaluated: 2025-10-23. Review status: criteria provided, single submitter. Criteria: Ambry Variant Classification Scheme 2023. Collection method: clinical testing. Allele origin: germline.
Comment: The p.Y1134C variant (also known as c.3401A>G), located in coding exon 9 of the AKAP9 gene, results from an A to G substitution at nucleotide position 3401. The tyrosine at codon 1134 is replaced by cysteine, an amino acid with highly dissimilar properties. This amino acid position is conserved. In addition, this alteration is predicted to be tolerated by in silico analysis. Since supporting evidence is limited at this time, the clinical significance of this alteration remains unclear.

Labcorp Genetics (formerly Invitae), Labcorp
Classification: Uncertain significance for Long QT syndrome. Last evaluated: 2025-08-03. Review status: criteria provided, single submitter. Criteria: Invitae Variant Classification Sherloc (09022015). Collection method: clinical testing. Allele origin: germline.
Comment: This sequence change replaces tyrosine, which is neutral and polar, with cysteine, which is neutral and slightly polar, at codon 1134 of the AKAP9 protein (p.Tyr1134Cys). This variant is present in population databases (rs761159568, gnomAD 0.01%). This variant has not been reported in the literature in individuals affected with AKAP9-related conditions. ClinVar contains an entry for this variant (Variation ID: 2560659). An algorithm developed to predict the effect of missense changes on protein structure and function outputs the following: PolyPhen-2: "Benign". The cysteine amino acid residue is found in multiple mammalian species, which suggests that this missense change does not adversely affect protein function. In summary, the available evidence is currently insufficient to determine the role of this variant in disease. Therefore, it has been classified as a Variant of Uncertain Significance.

Blueprint Genetics
Classification: Likely benign. Last evaluated: 2024-02-19. Review status: criteria provided, single submitter. Criteria: ACMG Guidelines, 2015. Collection method: clinical testing. Allele origin: germline.

NM_005751.5(AKAP9):c.3401A>G (p.Tyr1134Cys)

Gene: AKAP9 (A-kinase anchoring protein 9; plus strand). Cytogenetic location: 7q21.2.
Variant type: single nucleotide variant.
Coding change: c.3401A>G on transcript NM_005751.5 (MANE Select); coding-DNA position 3401, A replaced by G.
Protein change: p.Tyr1134Cys; replaces tyrosine 1134 with cysteine.
Molecular consequence: missense variant.
Genome position (GRCh38, 1-based): chr7:92,012,511, A>G. VCF-style: chr7-92012511-A-G. GRCh37 (hg19) VCF-style: chr7-91641825-A-G.
Other names: c.3401A>G, p.Tyr1134Cys (NM_147185.3); short protein forms Y1134C.
Identifiers: ClinVar variation 2560659 (VCV002560659.7), dbSNP rs761159568, ClinGen allele CA4336298.
Genomic context (GRCh38, chr7:92,012,511, plus strand): 5'-AAGCCCAACGCATTTGCCTCTCTCTGGTTTATTCAACTCATGTGGATCAGGTTCGTGAAT[A>G]TATGGAAAATGAAAAAGATAAAGCTCTTTGCAGTCTTAAAGAAGAGCTTATTTTTGCTCA-3'
Protein context (NP_005742.4, residues 1124-1144): YSTHVDQVRE[Tyr1134Cys]MENEKDKALC